The following is an entry in ClinVar:

NM_001040142.2(SCN2A):c.424A>G (p.Asn142Asp)

Gene: SCN2A (sodium voltage-gated channel alpha subunit 2; plus strand). Cytogenetic location: 2q24.3.
Variant type: single nucleotide variant.
Coding change: c.424A>G on transcript NM_001040142.2 (MANE Select); coding-DNA position 424, A replaced by G.
Protein change: p.Asn142Asp; replaces asparagine 142 with aspartic acid.
Molecular consequence: missense variant.
Genome position (GRCh38, 1-based): chr2:165,307,885, A>G. VCF-style: chr2-165307885-A-G. GRCh37 (hg19) VCF-style: chr2-166164395-A-G.
Other names: c.424A>G, p.Asn142Asp (NM_001040143.2, NM_001371246.1, NM_001371247.1 and 1 more transcripts); short protein forms N142D.
Identifiers: ClinVar variation 650676 (VCV000650676.1), dbSNP rs1574552921, ClinGen allele CA349015127.

ClinVar aggregate classification (germline): Uncertain significance (1 of 4 stars; one submission).

Conditions:
Seizures, benign familial infantile, 3 (BFIS3). Also called: Familial neonatal seizures; CONVULSIONS, BENIGN FAMILIAL INFANTILE, 3. Identifiers: Orphanet 140927, Orphanet 306, MedGen C1843140, MONDO:0011904, OMIM 607745.
Developmental and epileptic encephalopathy, 11 (DEE11). Also called: Early infantile epileptic encephalopathy 11. Identifiers: Orphanet 1934, MedGen C3150987, MONDO:0013388, OMIM 613721.

Submission:

Labcorp Genetics (formerly Invitae), Labcorp
Classification: Uncertain significance for Benign familial neonatal-infantile seizures; Early infantile epileptic encephalopathy 11. Last evaluated: 2018-09-27. Review status: criteria provided, single submitter. Criteria: Invitae Variant Classification Sherloc (09022015). Collection method: clinical testing. Allele origin: germline.
Comment: This sequence change replaces asparagine with aspartic acid at codon 142 of the SCN2A protein (p.Asn142Asp). The asparagine residue is highly conserved and there is a small physicochemical difference between asparagine and aspartic acid. This variant is not present in population databases (ExAC no frequency). This variant has not been reported in the literature in individuals with SCN2A-related disease. Algorithms developed to predict the effect of missense changes on protein structure and function are either unavailable or do not agree on the potential impact of this missense change (SIFT: "Deleterious"; PolyPhen-2: "Benign"; Align-GVGD: "Class C0"). In summary, the available evidence is currently insufficient to determine the role of this variant in disease. Therefore, it has been classified as a Variant of Uncertain Significance.